The following is an entry in ClinVar:

NM_198525.3(KIF7):c.2458C>G (p.Arg820Gly)

Gene: KIF7 (kinesin family member 7; minus strand). Cytogenetic location: 15q26.1.
Variant type: single nucleotide variant.
Coding change: c.2458C>G on transcript NM_198525.3 (MANE Select); coding-DNA position 2458, C replaced by G.
Protein change: p.Arg820Gly; replaces arginine 820 with glycine.
Molecular consequence: missense variant.
Genome position (GRCh38, 1-based): chr15:89,633,820, G>C on the plus strand (C>G on the coding strand, the complement: KIF7 is on the minus strand). VCF-style: chr15-89633820-G-C. GRCh37 (hg19) VCF-style: chr15-90177051-G-C.
Other names: short protein forms R820G.
Identifiers: ClinVar variation 4858905 (VCV004858905.1).
Genomic context (GRCh38, chr15:89,633,820, plus strand): 5'-TCTGCAGCTGTCCCTGCTGCTGCCGCATGAGCTGCACGTTCCGCTCGAGCTCCTGCAGTC[G>C]CTTCTCACTCTGGGCCGACAGTGACACCAGCCGCTCCGTAGCCTGCTTCTTCTCCTTCAG-3'
Protein context (NP_940927.2, residues 810-830): LVSLSAQSEK[Arg820Gly]LQELERNVQL

ClinVar aggregate classification (germline): Uncertain significance (1 of 4 stars; one submission).

Conditions:
Inborn genetic diseases. Identifiers: MedGen C0950123, MeSH D030342.

gnomAD v4.1: 3 of 1,613,026 alleles (0.00019%); highest among the groups gnomAD compares: African/African-American, 0.0013%; no homozygotes.

Submission:

Ambry Genetics
Classification: Uncertain significance for Inborn genetic diseases. Last evaluated: 2026-04-11. Review status: criteria provided, single submitter. Criteria: Ambry Variant Classification Scheme 2023. Collection method: clinical testing. Allele origin: germline.
Comment: The c.2458C>G (p.R820G) alteration is located in exon 12 (coding exon 11) of the KIF7 gene. This alteration results from a C to G substitution at nucleotide position 2458, causing the arginine (R) at amino acid position 820 to be replaced by a glycine (G). Based on data from gnomAD, the G allele has an overall frequency of 0.001% (2/250430) total alleles studied. The highest observed frequency was 0.006% (1/16240) of African alleles. Based on insufficient or conflicting evidence, the clinical significance of this alteration remains unclear.